The following is an entry in ClinVar:

ClinVar aggregate classification (germline): Likely benign. Review status: criteria provided, multiple submitters, no conflicts (2 of 4 stars). 3 submissions from 3 submitters: Likely benign (3). Last evaluated 2025-12-24.

Allele frequency attached by ClinVar (database versions not stated): gnomAD 0.00010; TOPMed 0.00019; ExAC 0.00020.
gnomAD v4.1: 383 of 1,584,832 alleles (0.024%); highest among the groups gnomAD compares: Non-Finnish European, 0.031%; no homozygotes.

Submissions (3):

Labcorp Genetics (formerly Invitae), Labcorp
Classification: Likely benign. Last evaluated: 2025-12-24. Review status: criteria provided, single submitter. Criteria: Invitae Variant Classification Sherloc (09022015). Collection method: clinical testing. Allele origin: germline.

Blueprint Genetics
Classification: Likely benign. Last evaluated: 2024-11-20. Review status: criteria provided, single submitter. Criteria: ACMG Guidelines, 2015. Collection method: clinical testing. Allele origin: germline.

CeGaT Center for Human Genetics Tuebingen
Classification: Likely benign. Last evaluated: 2023-09-01. Review status: criteria provided, single submitter. Criteria: CeGaT Center For Human Genetics Tuebingen Variant Classification Criteria Version 2. Collection method: clinical testing. Allele origin: germline. Affected: yes. Observed: 2 variant alleles.
Comment: CIT: BP4, BP7

NM_001206999.2(CIT):c.6051C>T (p.Pro2017=)

Gene: CIT (citron rho-interacting serine/threonine kinase; minus strand). Cytogenetic location: 12q24.23.
Variant type: single nucleotide variant.
Coding change: c.6051C>T on transcript NM_001206999.2 (MANE Select); coding-DNA position 6051, C replaced by T.
Protein change: p.Pro2017=; no amino-acid change (proline 2017 retained).
Molecular consequence: synonymous variant.
Genome position (GRCh38, 1-based): chr12:119,690,286, G>A on the plus strand (C>T on the coding strand, the complement: CIT is on the minus strand). VCF-style: chr12-119690286-G-A. GRCh37 (hg19) VCF-style: chr12-120128091-G-A.
Other names: c.5925C>T, p.Pro1975= (NM_007174.3).
Identifiers: ClinVar variation 732552 (VCV000732552.41), dbSNP rs766445204, ClinGen allele CA6820658.
Genomic context (GRCh38, chr12:119,690,286, plus strand): 5'-CCCGGGGGACCGCTCTCTCCGCGTGCTGAGCATCCGGCCGGGGGACTTCTCTCGCTCCAG[G>A]GGGCGGCCAGGAGACTTGTCCCTGCGCAGCTCGGTCCGCCCCTCGCGGTAGCGGTGGGGT-3'
Protein context (NP_001193928.1, residues 2007-2027): ELRRDKSPGR[Pro2017=]LEREKSPGRM